The following is an entry in ClinVar:

ClinVar aggregate classification (germline): Uncertain significance (1 of 4 stars; one submission).

Conditions:
Distal hereditary motor neuropathy type 2. Identifiers: Orphanet 139525, MedGen C3711384, MeSH C580044, MONDO:0015352.

Submission:

Labcorp Genetics (formerly Invitae), Labcorp
Classification: Uncertain significance for Distal hereditary motor neuropathy type 2. Last evaluated: 2022-02-08. Review status: criteria provided, single submitter. Criteria: Invitae Variant Classification Sherloc (09022015). Collection method: clinical testing. Allele origin: germline.
Comment: In summary, the available evidence is currently insufficient to determine the role of this variant in disease. Therefore, it has been classified as a Variant of Uncertain Significance. Algorithms developed to predict the effect of missense changes on protein structure and function are either unavailable or do not agree on the potential impact of this missense change (SIFT: "Deleterious"; PolyPhen-2: "Probably Damaging"; Align-GVGD: "Class C0"). This variant has not been reported in the literature in individuals affected with FBXO38-related conditions. This variant is not present in population databases (gnomAD no frequency). This sequence change replaces threonine, which is neutral and polar, with serine, which is neutral and polar, at codon 830 of the FBXO38 protein (p.Thr830Ser).

NM_205836.3(FBXO38):c.2714C>G (p.Thr905Ser)

Gene: FBXO38 (F-box protein 38; plus strand). Cytogenetic location: 5q32.
Variant type: single nucleotide variant.
Coding change: c.2714C>G on transcript NM_205836.3 (MANE Select); coding-DNA position 2714, C replaced by G.
Protein change: p.Thr905Ser; replaces threonine 905 with serine.
Molecular consequence: missense variant.
Genome position (GRCh38, 1-based): chr5:148,433,484, C>G. VCF-style: chr5-148433484-C-G. GRCh37 (hg19) VCF-style: chr5-147813047-C-G.
Other names: c.1979C>G, p.Thr660Ser (NM_001271723.2); c.2489C>G, p.Thr830Ser (NM_030793.5); short protein forms T660S, T905S, T830S.
Identifiers: ClinVar variation 2185094 (VCV002185094.4), dbSNP rs2531834375, ClinGen allele CA361659345.
Genomic context (GRCh38, chr5:148,433,484, plus strand): 5'-AAGTAGCCAAAACAAAGCCACGTCACGCCATGAAACGGAAGCGGACAGCAGATAAATCCA[C>G]TAGTACAAGTGATCCTGTGATCGAGGATGACCATGTGCAGGTAGAGAAAAAACCCTCACT-3'
Protein context (NP_995308.1, residues 895-915): MKRKRTADKS[Thr905Ser]STSDPVIEDD